The following is an entry in ClinVar:

ClinVar aggregate classification (germline): Uncertain significance (1 of 4 stars; one submission).

gnomAD v4.1: 1 of 1,605,964 alleles (0.000062%); highest among the groups gnomAD compares: Non-Finnish European, 0.000085%; no homozygotes.

Submission:

Women's Health and Genetics/Laboratory Corporation of America, LabCorp
Classification: Uncertain significance. Last evaluated: 2024-12-20. Review status: criteria provided, single submitter. Criteria: LabCorp Variant Classification Summary - May 2015. Collection method: clinical testing. Allele origin: germline.
Comment: Variant summary: ANO5 c.2516T>G (p.Met839Arg) results in a non-conservative amino acid change in the encoded protein sequence. Four of five in-silico tools predict a damaging effect of the variant on protein function. The variant was absent in 250502 control chromosomes (gnomAD). c.2516T>G has been reported in the literature in individuals affected with Limb-Girdle Muscular Dystrophy, Autosomal Recessive or hyperCKemia (Magri_2012, Invernizzi_2023). These data indicate that the variant may be associated with disease. To our knowledge, no experimental evidence demonstrating an impact on protein function has been reported. The following publications have been ascertained in the context of this evaluation (PMID: 22742934, 37510298). No submitters have cited clinical-significance assessments for this variant to ClinVar. Based on the evidence outlined above, the variant was classified as VUS-possibly pathogenic.

Literature cited by the submitters: PubMed 37510298; PubMed 22742934.

NM_213599.3(ANO5):c.2516T>G (p.Met839Arg)

Gene: ANO5 (anoctamin 5; plus strand). Cytogenetic location: 11p14.3.
Variant type: single nucleotide variant.
Coding change: c.2516T>G on transcript NM_213599.3 (MANE Select); coding-DNA position 2516, T replaced by G.
Protein change: p.Met839Arg; replaces methionine 839 with arginine.
Molecular consequence: missense variant.
Genome position (GRCh38, 1-based): chr11:22,276,195, T>G. VCF-style: chr11-22276195-T-G. GRCh37 (hg19) VCF-style: chr11-22297741-T-G.
Other names: c.2513T>G, p.Met838Arg (NM_001142649.2); c.2474T>G, p.Met825Arg (NM_001410963.1); c.2471T>G, p.Met824Arg (NM_001410964.1); short protein forms M824R, M825R, M838R, M839R.
Identifiers: ClinVar variation 3768494 (VCV003768494.1).
Genomic context (GRCh38, chr11:22,276,195, plus strand): 5'-ATTTTCATAATATGCAATTCTGGCATGTCCTTGCTGCCAAGATGACCTTCATCATTGTTA[T>G]GGAAGTAAGCTGTTCTTAACTTTCATTCGAGTTACTCTCTTCTCTCTTTAGGCAGATATT-3'
Protein context (NP_998764.1, residues 829-849): LAAKMTFIIV[Met839Arg]EHVVFLVKFL